The following is an entry in ClinVar:

NM_001987.5(ETV6):c.213G>C (p.Lys71Asn)

Genes: ETV6 (ETS variant transcription factor 6; plus strand), LOC126861451 (BRD4-independent group 4 enhancer GRCh37_chr12:11991350-11992549; plus strand). Cytogenetic location: 12p13.2.
Variant type: single nucleotide variant.
Coding change: c.213G>C on transcript NM_001987.5 (MANE Select); coding-DNA position 213, G replaced by C.
Protein change: p.Lys71Asn; replaces lysine 71 with asparagine.
Molecular consequence: missense variant. On other transcripts: 5 prime UTR variant (1).
Genome position (GRCh38, 1-based): chr12:11,839,189, G>C. VCF-style: chr12-11839189-G-C. GRCh37 (hg19) VCF-style: chr12-11992123-G-C.
Other names: c.210G>C, p.Lys70Asn (NM_001413913.1); c.186G>C, p.Lys62Asn (NM_001413914.1); c.-52G>C (NM_001413915.1); c.213G>C, p.Lys71Asn (NM_001413916.1, NM_001413917.1, NM_001413918.1); short protein forms K62N, K71N, K70N.
Identifiers: ClinVar variation 4995928 (VCV004995928.1).

ClinVar aggregate classification (germline): Uncertain significance (1 of 4 stars; one submission).

Conditions:
ETV6-related disorder. Also called: ETV6-related condition.

Submission:

PreventionGenetics, part of Exact Sciences
Classification: Uncertain significance for ETV6-related condition. Last evaluated: 2025-10-30. Review status: criteria provided, single submitter. Criteria: ACMG Guidelines, 2015. Collection method: clinical testing. Allele origin: germline.
Comment: The ETV6 c.213G>C variant is predicted to result in the amino acid substitution p.Lys71Asn. To our knowledge, this variant has not been reported in the literature or in a large population database (gnomAD), indicating this variant is rare. At this time, the clinical significance of this variant is uncertain due to the absence of conclusive functional and genetic evidence.